The following is an entry in ClinVar:

NM_006618.5(KDM5B):c.3204T>C (p.Ala1068=)

Gene: KDM5B (lysine demethylase 5B; minus strand). Cytogenetic location: 1q32.1.
Variant type: single nucleotide variant.
Coding change: c.3204T>C on transcript NM_006618.5 (MANE Select); coding-DNA position 3204, T replaced by C.
Protein change: p.Ala1068=; no amino-acid change (alanine 1068 retained).
Molecular consequence: synonymous variant.
Genome position (GRCh38, 1-based): chr1:202,736,273, A>G on the plus strand (T>C on the coding strand, the complement: KDM5B is on the minus strand). VCF-style: chr1-202736273-A-G. GRCh37 (hg19) VCF-style: chr1-202705401-A-G.
Other names: c.3312T>C, p.Ala1104= (NM_001314042.2); c.3069T>C, p.Ala1023= (NM_001347591.2); c.3189T>C, p.Ala1063= (NM_001399817.1).
Identifiers: ClinVar variation 715853 (VCV000715853.7), dbSNP rs150737727, ClinGen allele CA1334243.

ClinVar aggregate classification (germline): Benign. Review status: criteria provided, single submitter (1 of 4 stars). 2 submissions from 2 submitters: Benign (1). 1 of the submissions does not count toward it. Last evaluated 2019-12-31.

Conditions:
KDM5B-related disorder. Also called: KDM5B-related condition.

Allele frequency attached by ClinVar (database versions not stated): gnomAD exomes 0.00070 and 0.00172; ExAC 0.00227; gnomAD 0.00725 and 0.00772; 1000 Genomes Project 0.00759; TOPMed 0.00767; ESP Exome Variant Server 0.00769; 1000 Genomes Project 30x 0.00874.
gnomAD v4.1: 2,181 of 1,612,244 alleles (0.14%); highest among the groups gnomAD compares: African/African-American, 2.6%; 23 homozygotes.

Submissions (2):

Labcorp Genetics (formerly Invitae), Labcorp
Classification: Benign. Last evaluated: 2019-12-31. Review status: criteria provided, single submitter. Criteria: Invitae Variant Classification Sherloc (09022015). Collection method: clinical testing. Allele origin: germline.

PreventionGenetics, part of Exact Sciences
Classification: Benign for KDM5B-related condition. Last evaluated: 2023-03-13. Review status: no assertion criteria provided. Collection method: clinical testing. Allele origin: germline. Not counted in ClinVar's aggregate classification.
Comment: This variant is classified as benign based on ACMG/AMP sequence variant interpretation guidelines (Richards et al. 2015 PMID: 25741868, with internal and published modifications).